The following is an entry in ClinVar:

NM_153614.4(DNAJB13):c.607-5C>A

Gene: DNAJB13 (DnaJ heat shock protein family (Hsp40) member B13; plus strand). Cytogenetic location: 11q13.4.
Variant type: single nucleotide variant.
Coding change: c.607-5C>A on transcript NM_153614.4 (MANE Select); 5 bases into the intron before coding-DNA position 607, C replaced by A.
Molecular consequence: intron variant.
Genome position (GRCh38, 1-based): chr11:73,968,340, C>A. VCF-style: chr11-73968340-C-A. GRCh37 (hg19) VCF-style: chr11-73679385-C-A.
Other names: c.433-5C>A (NM_001377263.1); c.445-5C>A (NM_001441321.1).
Identifiers: ClinVar variation 4782168 (VCV004782168.1).

ClinVar aggregate classification (germline): Uncertain significance (1 of 4 stars; one submission).

gnomAD v4.1: 1 of 1,614,038 alleles (0.000062%); highest among the groups gnomAD compares: Admixed American, 0.0017%; no homozygotes.

Submission:

Labcorp Genetics (formerly Invitae), Labcorp
Classification: Uncertain significance. Last evaluated: 2025-10-11. Review status: criteria provided, single submitter. Criteria: Invitae Variant Classification Sherloc (09022015). Collection method: clinical testing. Allele origin: germline.
Comment: This sequence change falls in intron 5 of the DNAJB13 gene. It does not directly change the encoded amino acid sequence of the DNAJB13 protein. This variant is not present in population databases (gnomAD no frequency). This variant has not been reported in the literature in individuals affected with DNAJB13-related conditions. Algorithms developed to predict the effect of sequence changes on RNA splicing suggest that this variant may disrupt the consensus splice site. In summary, the available evidence is currently insufficient to determine the role of this variant in disease. Therefore, it has been classified as a Variant of Uncertain Significance.